The following is an entry in ClinVar:

NM_000245.4(MET):c.3192G>C (p.Gln1064His)

Gene: MET (MET proto-oncogene, receptor tyrosine kinase; plus strand). Cytogenetic location: 7q31.2.
Variant type: single nucleotide variant.
Coding change: c.3192G>C on transcript NM_000245.4 (MANE Select); coding-DNA position 3192, G replaced by C.
Protein change: p.Gln1064His; replaces glutamine 1064 with histidine.
Molecular consequence: missense variant.
Genome position (GRCh38, 1-based): chr7:116,775,044, G>C. VCF-style: chr7-116775044-G-C. GRCh37 (hg19) VCF-style: chr7-116415098-G-C.
Other names: c.3246G>C, p.Gln1082His (NM_001127500.3); c.1902G>C, p.Gln634His (NM_001324402.2); c.3246G>C (LRG_662t1); short protein forms Q1082H, Q1064H, Q634H.
Identifiers: ClinVar variation 411913 (VCV000411913.15), dbSNP rs974352099, ClinGen allele CA16612266.

ClinVar aggregate classification (germline): Uncertain significance. Review status: criteria provided, multiple submitters, no conflicts (2 of 4 stars). 3 submissions from 3 submitters: Uncertain significance (3). Last evaluated 2025-04-25.

Conditions:
Renal cell carcinoma. Identifiers: Orphanet 217071, MedGen C0007134, MeSH D002292, MONDO:0005086, HP:0005584.
Hereditary cancer-predisposing syndrome. Also called: Hereditary neoplastic syndrome; Tumor predisposition; Hereditary Cancer Syndrome; Neoplastic Syndromes, Hereditary. Identifiers: Orphanet 140162, MedGen C0027672, MeSH D009386, MONDO:0015356.

Allele frequency attached by ClinVar (database versions not stated): gnomAD exomes below 0.00001; TOPMed below 0.00001; gnomAD 0.00001.
gnomAD v4.1: 5 of 1,614,074 alleles (0.00031%); highest among the groups gnomAD compares: Admixed American, 0.0017%; no homozygotes.

Submissions (3):

Dasa
Classification: Uncertain significance. Last evaluated: 2025-04-25. Review status: criteria provided, single submitter. Criteria: DASA Assertion Criteria. Collection method: clinical testing. Allele origin: germline.
Comment: NM_000245.4(MET):c.3192G>C (p.Gln1064His) is a missense variant that results in the substitution of glutamine with histidine. This variant is rare in population databases. Computational prediction algorithms are consistent with a benign effect. The currently available literature and clinical evidence are not sufficient to establish a definitive association between this variant and the reported condition. Therefore, this variant is classified as a variant of uncertain significance.

Ambry Genetics
Classification: Uncertain significance for Hereditary cancer-predisposing syndrome. Last evaluated: 2025-02-26. Review status: criteria provided, single submitter. Criteria: Ambry Variant Classification Scheme 2023. Collection method: clinical testing. Allele origin: germline.
Comment: The p.Q1082H variant (also known as c.3246G>C), located in coding exon 14 of the MET gene, results from a G to C substitution at nucleotide position 3246. The glutamine at codon 1082 is replaced by histidine, an amino acid with highly similar properties. This amino acid position is not well conserved in available vertebrate species. In addition, this alteration is predicted to be tolerated by in silico analysis. Since supporting evidence is limited at this time, the clinical significance of this alteration remains unclear.

Labcorp Genetics (formerly Invitae), Labcorp
Classification: Uncertain significance for Renal cell carcinoma. Last evaluated: 2024-02-23. Review status: criteria provided, single submitter. Criteria: Invitae Variant Classification Sherloc (09022015). Collection method: clinical testing. Allele origin: germline.
Comment: This sequence change replaces glutamine, which is neutral and polar, with histidine, which is basic and polar, at codon 1082 of the MET protein (p.Gln1082His). This variant is present in population databases (no rsID available, gnomAD 0.0009%). This variant has not been reported in the literature in individuals affected with MET-related conditions. ClinVar contains an entry for this variant (Variation ID: 411913). Advanced modeling of protein sequence and biophysical properties (such as structural, functional, and spatial information, amino acid conservation, physicochemical variation, residue mobility, and thermodynamic stability) performed at Invitae indicates that this missense variant is not expected to disrupt MET protein function with a negative predictive value of 80%. In summary, the available evidence is currently insufficient to determine the role of this variant in disease. Therefore, it has been classified as a Variant of Uncertain Significance.